The following is an entry in ClinVar:

ClinVar aggregate classification (germline): Uncertain significance (1 of 4 stars; one submission).

gnomAD v4.1: 38 of 1,564,690 alleles (0.0024%); highest among the groups gnomAD compares: Non-Finnish European, 0.0027%; no homozygotes.

Submission:

Labcorp Genetics (formerly Invitae), Labcorp
Classification: Uncertain significance. Last evaluated: 2025-11-13. Review status: criteria provided, single submitter. Criteria: Invitae Variant Classification Sherloc (09022015). Collection method: clinical testing. Allele origin: germline.
Comment: This sequence change creates a premature translational stop signal (p.Arg73*) in the RPS6KC1 gene. It is expected to result in an absent or disrupted protein product. However, the current clinical and genetic evidence is not sufficient to establish whether loss-of-function variants in RPS6KC1 cause disease. This variant is present in population databases (rs202093150, gnomAD 0.007%). This variant has not been reported in the literature in individuals affected with RPS6KC1-related conditions. In summary, the available evidence is currently insufficient to determine the role of this variant in disease. Therefore, it has been classified as a Variant of Uncertain Significance.

NM_012424.6(RPS6KC1):c.217C>T (p.Arg73Ter)

Gene: RPS6KC1 (ribosomal protein S6 kinase C1; plus strand). Cytogenetic location: 1q32.3.
Variant type: single nucleotide variant.
Coding change: c.217C>T on transcript NM_012424.6 (MANE Select); coding-DNA position 217, C replaced by T.
Protein change: p.Arg73Ter; replaces arginine 73 with a stop codon.
Molecular consequence: nonsense. On other transcripts: 5 prime UTR variant (23), non-coding transcript variant (4), intron variant (4).
Genome position (GRCh38, 1-based): chr1:213,077,771, C>T. VCF-style: chr1-213077771-C-T. GRCh37 (hg19) VCF-style: chr1-213251113-C-T.
Other names: c.181C>T, p.Arg61Ter (NM_001136138.4); c.-405C>T (NM_001287218.3, NM_001349650.2, NM_001349653.2 and 1 more transcripts); c.-327C>T (NM_001287219.3, NM_001349649.2); c.-998C>T (NM_001287220.3, NM_001349666.2); c.217C>T, p.Arg73Ter (NM_001349646.2, NM_001349647.2); c.-396C>T (NM_001349648.2); c.-526C>T (NM_001349651.2); c.-476C>T (NM_001349652.2); and 13 more; short protein forms R61*, R73*.
Identifiers: ClinVar variation 4697776 (VCV004697776.1).